The following is an entry in ClinVar:

NM_001558.4(IL10RA):c.67+89G>C

Gene: IL10RA (interleukin 10 receptor subunit alpha; plus strand). Cytogenetic location: 11q23.3.
Variant type: single nucleotide variant.
Coding change: c.67+89G>C on transcript NM_001558.4 (MANE Select); 89 bases into the intron after coding-DNA position 67, G replaced by C.
Molecular consequence: intron variant.
Genome position (GRCh38, 1-based): chr11:117,986,623, G>C. VCF-style: chr11-117986623-G-C. GRCh37 (hg19) VCF-style: chr11-117857338-G-C.
Identifiers: ClinVar variation 2628233 (VCV002628233.2), dbSNP rs10892202, ClinGen allele CA6298805.

ClinVar aggregate classification (germline): Benign (1 of 4 stars; one submission).

Allele frequency attached by ClinVar (database versions not stated): ExAC 0.11636; gnomAD 0.12410; 1000 Genomes Project 0.12520; 1000 Genomes Project 30x 0.12633; TOPMed 0.12900.
gnomAD v4.1: 171,033 of 1,542,486 alleles (11%); highest among the groups gnomAD compares: Admixed American, 18%; 9,874 homozygotes.

Submission:

Unidad de Genómica Garrahan, Hospital de Pediatría Garrahan
Classification: Benign. Last evaluated: 2023-11-12. Review status: criteria provided, single submitter. Criteria: ACMG Guidelines, 2015. Collection method: clinical testing. Allele origin: germline. Affected: no. Observed: 31 variant alleles.
Comment: This variant is classified as Benign based on local population frequency. This variant was detected in 32% of patients studied by a panel of primary immunodeficiencies. Number of patients: 31. Only high quality variants are reported.